The following is an entry in ClinVar:

NM_012310.5(KIF4A):c.1915G>C (p.Glu639Gln)

Gene: KIF4A (kinesin family member 4A; plus strand). Cytogenetic location: Xq13.1.
Variant type: single nucleotide variant.
Coding change: c.1915G>C on transcript NM_012310.5 (MANE Select); coding-DNA position 1915, G replaced by C.
Protein change: p.Glu639Gln; replaces glutamic acid 639 with glutamine.
Molecular consequence: missense variant.
Genome position (GRCh38, 1-based): chrX:70,375,340, G>C. VCF-style: chrX-70375340-G-C. GRCh37 (hg19) VCF-style: chrX-69595190-G-C.
Other names: c.1915G>C (NM_012310.4); short protein forms E639Q.
Identifiers: ClinVar variation 1678322 (VCV001678322.3), dbSNP rs2086170773, ClinGen allele CA413480619.

ClinVar aggregate classification (germline): Uncertain significance. Review status: criteria provided, multiple submitters, no conflicts (2 of 4 stars). 2 submissions from 2 submitters: Uncertain significance (2). Last evaluated 2024-02-08.

Allele frequency attached by ClinVar (database versions not stated): gnomAD exomes below 0.00001; TOPMed below 0.00001.
gnomAD v4.1: 5 of 1,209,264 alleles (0.00041%); highest among the groups gnomAD compares: Admixed American, 0.0088%; no homozygotes.

Submissions (2):

GeneDx
Classification: Uncertain significance. Last evaluated: 2024-02-08. Review status: criteria provided, single submitter. Criteria: GeneDx Variant Classification Process June 2021. Collection method: clinical testing. Allele origin: germline.
Comment: Not observed at significant frequency in large population cohorts (gnomAD); In silico analysis supports that this missense variant has a deleterious effect on protein structure/function; Has not been previously published as pathogenic or benign to our knowledge

AiLife Diagnostics
Classification: Uncertain significance. Last evaluated: 2020-07-21. Review status: criteria provided, single submitter. Criteria: ACMG Guidelines, 2015. Collection method: clinical testing. Allele origin: germline. Affected: yes. Observed: 1 variant allele.